The following is an entry in ClinVar:

ClinVar aggregate classification (germline): Uncertain significance. Review status: criteria provided, multiple submitters, no conflicts (2 of 4 stars). 2 submissions from 2 submitters: Uncertain significance (2). Last evaluated 2025-09-27.

Conditions:
Desmin-related myofibrillar myopathy (MFM1). Also called: Myofibrillar myopathy 1; Desminopathy; Desmin related myopathy (former name); Desmin storage myopathy (former name); MYOFIBRILLAR MYOPATHY WITH ARRHYTHMOGENIC RIGHT VENTRICULAR CARDIOMYOPATHY; DESMIN-RELATED MYOPATHY WITH ARRHYTHMOGENIC RIGHT VENTRICULAR CARDIOMYOPATHY. Identifiers: Orphanet 363543, Orphanet 98909, MedGen C1832370, MONDO:0011076, OMIM 601419.
Cardiovascular phenotype. Identifiers: MedGen CN230736.

Submissions (2):

Labcorp Genetics (formerly Invitae), Labcorp
Classification: Uncertain significance for Desmin-related myofibrillar myopathy. Last evaluated: 2025-09-27. Review status: criteria provided, single submitter. Criteria: Invitae Variant Classification Sherloc (09022015). Collection method: clinical testing. Allele origin: germline.
Comment: This sequence change creates a premature translational stop signal (p.Gln464*) in the DES gene. While this is not anticipated to result in nonsense mediated decay, it is expected to disrupt the last 7 amino acid(s) of the DES protein. This variant is not present in population databases (gnomAD no frequency). This variant has not been reported in the literature in individuals affected with DES-related conditions. ClinVar contains an entry for this variant (Variation ID: 1401572). Experimental studies and prediction algorithms are not available or were not evaluated, and the functional significance of this variant is currently unknown. In summary, the available evidence is currently insufficient to determine the role of this variant in disease. Therefore, it has been classified as a Variant of Uncertain Significance.

Ambry Genetics
Classification: Uncertain significance for Cardiovascular phenotype. Last evaluated: 2024-10-04. Review status: criteria provided, single submitter. Criteria: Ambry Variant Classification Scheme 2023. Collection method: clinical testing. Allele origin: germline.
Comment: The p.Q464* variant (also known as c.1390C>T), located in coding exon 9 of the DES gene, results from a C to T substitution at nucleotide position 1390. This changes the amino acid from a glutamine to a stop codon within coding exon 9. This alteration occurs at the 3' terminus of theDES gene, is not expected to trigger nonsense-mediated mRNAdecay, and only impacts the last 1.4% of the protein. The exact functional effect of this alteration is unknown. Since supporting evidence is limited at this time, the clinical significance of this alteration remains unclear.

NM_001927.4(DES):c.1390C>T (p.Gln464Ter)

Gene: DES (desmin; plus strand). Cytogenetic location: 2q35.
Variant type: single nucleotide variant.
Coding change: c.1390C>T on transcript NM_001927.4 (MANE Select); coding-DNA position 1390, C replaced by T.
Protein change: p.Gln464Ter; replaces glutamine 464 with a stop codon.
Molecular consequence: nonsense. On other transcripts: intron variant (1).
Genome position (GRCh38, 1-based): chr2:219,425,967, C>T. VCF-style: chr2-219425967-C-T. GRCh37 (hg19) VCF-style: chr2-220290689-C-T.
Other names: c.1387C>T, p.Gln463Ter (NM_001382708.1); c.958C>T, p.Gln320Ter (NM_001382709.1); c.1321C>T, p.Gln441Ter (NM_001382710.1); c.1369C>T, p.Gln457Ter (NM_001382711.1); c.1120C>T, p.Gln374Ter (NM_001382713.1); c.1371+222C>T (NM_001382712.1); c.1390C>T (NM_001927.3); short protein forms Q464*, Q374*, Q320*, Q441*, Q457*, Q463*.
Identifiers: ClinVar variation 1401572 (VCV001401572.7), dbSNP rs2125172262, ClinGen allele CA350699040.
Genomic context (GRCh38, chr2:219,425,967, plus strand): 5'-CTGGCTAGCACATGGTTGGACTGGGCTTCTCTTCCTCCCCAGGTCGTCAGTGAGGCCACA[C>T]AGCAGCAGCATGAAGTGCTCTAAAGACAGAGACCCTCTGCCACCAGAGACCGTCCTCACC-3'